The following is an entry in ClinVar:

NM_006445.4(PRPF8):c.6946_6947dup (p.Asn2316fs)

Gene: PRPF8 (pre-mRNA processing factor 8; minus strand). Cytogenetic location: 17p13.3.
Variant type: Duplication.
Coding change: c.6946_6947dup on transcript NM_006445.4 (MANE Select); coding-DNA positions 6946 to 6947, 2 bases duplicated (AA; older notation c.6946_6947dupAA).
Protein change: p.Asn2316fs; shifts the reading frame from asparagine 2316.
Molecular consequence: frameshift variant.
Genome position (GRCh38, 1-based): chr17:1,650,863-1,650,864, TT duplicated on the plus strand (AA on the coding strand, the reverse complement: PRPF8 is on the minus strand). VCF-style (leftmost placement, unchanged base first): chr17-1650862-G-GTT. GRCh37 (hg19) VCF-style: chr17-1554156-G-GTT.
Other names: short protein forms N2316fs.
Identifiers: ClinVar variation 2838967 (VCV002838967.3), dbSNP rs2543709711, ClinGen allele CA2739267036.

ClinVar aggregate classification (germline): Pathogenic (1 of 4 stars; one submission).

Submission:

Labcorp Genetics (formerly Invitae), Labcorp
Classification: Pathogenic. Last evaluated: 2024-04-22. Review status: criteria provided, single submitter. Criteria: Invitae Variant Classification Sherloc (09022015). Collection method: clinical testing. Allele origin: germline.
Comment: This sequence change results in a frameshift in the PRPF8 gene (p.Asn2316Lysfs*44). While this is not anticipated to result in nonsense mediated decay, it is expected to disrupt the last 20 amino acid(s) of the PRPF8 protein and extend the protein by 23 additional amino acid residues. This variant is not present in population databases (gnomAD no frequency). This variant has not been reported in the literature in individuals affected with PRPF8-related conditions. Experimental studies and prediction algorithms are not available or were not evaluated, and the functional significance of this variant is currently unknown. This variant disrupts a region of the PRPF8 protein in which other variant(s) (p.Tyr2334Asn) have been determined to be pathogenic (PMID: 20232351, 21378395, 28515276; Invitae). This suggests that this is a clinically significant region of the protein, and that variants that disrupt it are likely to be disease-causing. For these reasons, this variant has been classified as Pathogenic.

Literature cited by the submitters: PubMed 20232351; PubMed 21378395; PubMed 28515276.